The following is an entry in ClinVar:

ClinVar aggregate classification (germline): Uncertain significance (1 of 4 stars; one submission).

Conditions:
Hereditary cancer-predisposing syndrome. Also called: Hereditary Cancer Syndrome; Hereditary neoplastic syndrome; Neoplastic Syndromes, Hereditary; Tumor predisposition. Identifiers: Orphanet 140162, MedGen C0027672, MeSH D009386, MONDO:0015356.

Submission:

Ambry Genetics
Classification: Uncertain significance for Hereditary cancer-predisposing syndrome. Last evaluated: 2021-04-21. Review status: criteria provided, single submitter. Criteria: Ambry Variant Classification Scheme 2023. Collection method: clinical testing. Allele origin: germline.
Comment: The c.464_*10del18 variant (also known as p.P155Rfs*10), located in coding exon 3 of the CDKN2A gene, results from a deletion of 18 nucleotides at positions c.464 to c.*10. This alteration occurs at the 3' terminus of the CDKN2A gene, is not expected to trigger nonsense-mediated mRNAdecay and results in the elongation of the protein by 7 amino acids. This frameshift impacts the last 2amino acids of the native protein. The exact functional effect of the altered amino acids is unknown. Since supporting evidence is limited at this time, the clinical significance of this alteration remains unclear.

NM_000077.5(CDKN2A):c.464_*10del (p.Pro155_Ter157delinsXaa)

Gene: CDKN2A (cyclin dependent kinase inhibitor 2A; minus strand). Cytogenetic location: 9p21.3.
Variant type: Deletion.
Coding change: c.464_*10del on transcript NM_000077.5; coding-DNA position 464 through 10 bases downstream of the stop codon, 18 bases deleted (CCGATTGAAAGAACCAGA).
Protein change: p.Pro155_Ter157delinsXaa.
Molecular consequence: 3 prime UTR variant (on NM_001195132.2). On other transcripts: stop lost (1).
Genome position (GRCh38, 1-based): chr9:21,968,219-21,968,236, TCTGGTTCTTTCAATCGG deleted on the plus strand (CCGATTGAAAGAACCAGA on the coding strand, the reverse complement: CDKN2A is on the minus strand). VCF-style (leftmost placement, unchanged base first): chr9-21968218-CTCTGGTTCTTTCAATCGG-C. GRCh37 (hg19) VCF-style: chr9-21968217-CTCTGGTTCTTTCAATCGG-C.
Other names: c.464_*10del18, p.Pro155_Ter(157_?)(?) (NM_000077.6); c.*157_*174del (NM_001195132.2); c.311_*10del, p.Pro104_Ter106delinsXaa (NM_001363763.2); c.*108_*125del (NM_058195.4); c.*387_*404del (NM_058197.5).
Identifiers: ClinVar variation 1742103 (VCV001742103.2), dbSNP rs2489260519, ClinGen allele CA2580080290.